The following is an entry in ClinVar:

ClinVar aggregate classification (germline): Uncertain significance. Review status: criteria provided, multiple submitters, no conflicts (2 of 4 stars). 2 submissions from 2 submitters: Uncertain significance (2). Last evaluated 2024-01-24.

Conditions:
Cranium bifidum occultum. Also called: CATLIN MARKS; Enlarged Parietal Foramina; CRANIUM BIFIDUM, HEREDITARY. Identifiers: MedGen C1868598, HP:0004423.
Inborn genetic diseases. Identifiers: MedGen C0950123, MeSH D030342.

Allele frequency attached by ClinVar (database versions not stated): TOPMed 0.00002.
gnomAD v4.1: 10 of 1,613,978 alleles (0.00062%); highest among the groups gnomAD compares: African/African-American, 0.013%; no homozygotes.

Submissions (2):

Ambry Genetics
Classification: Uncertain significance for Inborn genetic diseases. Last evaluated: 2024-01-24. Review status: criteria provided, single submitter. Criteria: Ambry Variant Classification Scheme 2023. Collection method: clinical testing. Allele origin: germline.

Labcorp Genetics (formerly Invitae), Labcorp
Classification: Uncertain significance for Cranium bifidum occultum. Last evaluated: 2022-02-17. Review status: criteria provided, single submitter. Criteria: Invitae Variant Classification Sherloc (09022015). Collection method: clinical testing. Allele origin: germline.
Comment: This sequence change replaces methionine, which is neutral and non-polar, with leucine, which is neutral and non-polar, at codon 215 of the MSX2 protein (p.Met215Leu). This variant is present in population databases (no rsID available, gnomAD 0.007%). This variant has not been reported in the literature in individuals affected with MSX2-related conditions. Algorithms developed to predict the effect of missense changes on protein structure and function (SIFT, PolyPhen-2, Align-GVGD) all suggest that this variant is likely to be tolerated. In summary, the available evidence is currently insufficient to determine the role of this variant in disease. Therefore, it has been classified as a Variant of Uncertain Significance.

NM_002449.5(MSX2):c.643A>T (p.Met215Leu)

Gene: MSX2 (msh homeobox 2; plus strand). Cytogenetic location: 5q35.2.
Variant type: single nucleotide variant.
Coding change: c.643A>T on transcript NM_002449.5 (MANE Select); coding-DNA position 643, A replaced by T.
Protein change: p.Met215Leu; replaces methionine 215 with leucine.
Molecular consequence: missense variant. On other transcripts: 3 prime UTR variant (1).
Genome position (GRCh38, 1-based): chr5:174,729,422, A>T. VCF-style: chr5-174729422-A-T. GRCh37 (hg19) VCF-style: chr5-174156425-A-T.
Other names: c.*267A>T (NM_001363626.2); c.643A>T (NM_002449.4); short protein forms M215L.
Identifiers: ClinVar variation 2058450 (VCV002058450.5), dbSNP rs577629417, ClinGen allele CA132701459.
Genomic context (GRCh38, chr5:174,729,422, plus strand): 5'-GCCAAGGCGAAAAGACTGCAGGAGGCAGAACTGGAAAAGCTGAAAATGGCTGCAAAACCT[A>T]TGCTGCCCTCCAGCTTCAGTCTCCCTTTCCCCATCAGCTCGCCCCTGCAGGCAGCGTCCA-3'
Protein context (NP_002440.2, residues 205-225): LEKLKMAAKP[Met215Leu]LPSSFSLPFP